The following is an entry in ClinVar:

ClinVar aggregate classification (germline): Uncertain significance (1 of 4 stars; one submission).

Submission:

Labcorp Genetics (formerly Invitae), Labcorp
Classification: Uncertain significance. Last evaluated: 2020-06-13. Review status: criteria provided, single submitter. Criteria: Invitae Variant Classification Sherloc (09022015). Collection method: clinical testing. Allele origin: germline.
Comment: This sequence change replaces aspartic acid with glutamic acid at codon 725 of the KIAA1549 protein (p.Asp725Glu). The aspartic acid residue is moderately conserved and there is a small physicochemical difference between aspartic acid and glutamic acid. This variant is not present in population databases (ExAC no frequency). This variant has not been reported in the literature in individuals with KIAA1549-related conditions. Algorithms developed to predict the effect of missense changes on protein structure and function output the following: SIFT: "Tolerated"; PolyPhen-2: "Benign"; Align-GVGD: "Class C0". The glutamic acid amino acid residue is found in multiple mammalian species, suggesting that this missense change does not adversely affect protein function. These predictions have not been confirmed by published functional studies and their clinical significance is uncertain. In summary, the available evidence is currently insufficient to determine the role of this variant in disease. Therefore, it has been classified as a Variant of Uncertain Significance.

NM_001164665.2(KIAA1549):c.2175T>G (p.Asp725Glu)

Gene: KIAA1549 (KIAA1549; minus strand). Cytogenetic location: 7q34.
Variant type: single nucleotide variant.
Coding change: c.2175T>G on transcript NM_001164665.2 (MANE Select); coding-DNA position 2175, T replaced by G.
Protein change: p.Asp725Glu; replaces aspartic acid 725 with glutamic acid.
Molecular consequence: missense variant.
Genome position (GRCh38, 1-based): chr7:138,917,451, A>C on the plus strand (T>G on the coding strand, the complement: KIAA1549 is on the minus strand). VCF-style: chr7-138917451-A-C. GRCh37 (hg19) VCF-style: chr7-138602197-A-C.
Other names: c.2175T>G, p.Asp725Glu (NM_020910.3); short protein forms D725E.
Identifiers: ClinVar variation 1016358 (VCV001016358.8), dbSNP rs1812368128, ClinGen allele CA369394041.